The following is an entry in ClinVar:

NM_003816.3(ADAM9):c.820G>T (p.Val274Phe)

Gene: ADAM9 (ADAM metallopeptidase domain 9; plus strand). Cytogenetic location: 8p11.22.
Variant type: single nucleotide variant.
Coding change: c.820G>T on transcript NM_003816.3 (MANE Select); coding-DNA position 820, G replaced by T.
Protein change: p.Val274Phe; replaces valine 274 with phenylalanine.
Molecular consequence: missense variant. On other transcripts: non-coding transcript variant (3).
Genome position (GRCh38, 1-based): chr8:39,023,231, G>T. VCF-style: chr8-39023231-G-T. GRCh37 (hg19) VCF-style: chr8-38880750-G-T.
Other names: short protein forms V274F.
Identifiers: ClinVar variation 1400129 (VCV001400129.5), dbSNP rs780950986, ClinGen allele CA175210038.

ClinVar aggregate classification (germline): Uncertain significance (1 of 4 stars; one submission).

Allele frequency attached by ClinVar (database versions not stated): gnomAD 0.00001.
gnomAD v4.1: 6 of 1,613,714 alleles (0.00037%); highest among the groups gnomAD compares: Admixed American, 0.01%; no homozygotes.

Submission:

Labcorp Genetics (formerly Invitae), Labcorp
Classification: Uncertain significance. Last evaluated: 2025-10-21. Review status: criteria provided, single submitter. Criteria: Invitae Variant Classification Sherloc (09022015). Collection method: clinical testing. Allele origin: germline.
Comment: This sequence change replaces valine, which is neutral and non-polar, with phenylalanine, which is neutral and non-polar, at codon 274 of the ADAM9 protein (p.Val274Phe). This variant is present in population databases (no rsID available, gnomAD 0.009%). This variant has not been reported in the literature in individuals affected with ADAM9-related conditions. ClinVar contains an entry for this variant (Variation ID: 1400129). Invitae Evidence Modeling of protein sequence and biophysical properties (such as structural, functional, and spatial information, amino acid conservation, physicochemical variation, residue mobility, and thermodynamic stability) indicates that this missense variant is not expected to disrupt ADAM9 protein function with a negative predictive value of 80%. In summary, the available evidence is currently insufficient to determine the role of this variant in disease. Therefore, it has been classified as a Variant of Uncertain Significance.